The following is an entry in ClinVar:

NM_001374828.1(ARID1B):c.1503C>G (p.Thr501=)

Gene: ARID1B (AT-rich interaction domain 1B; plus strand). Cytogenetic location: 6q25.3.
Variant type: single nucleotide variant.
Coding change: c.1503C>G on transcript NM_001374828.1 (MANE Select); coding-DNA position 1503, C replaced by G.
Protein change: p.Thr501=; no amino-acid change (threonine 501 retained).
Molecular consequence: synonymous variant.
Genome position (GRCh38, 1-based): chr6:156,779,183, C>G. VCF-style: chr6-156779183-C-G. GRCh37 (hg19) VCF-style: chr6-157100317-C-G.
Other names: c.1503C>G, p.Thr501= (NM_001371656.1, NM_001374820.1, NM_017519.3).
Identifiers: ClinVar variation 3339075 (VCV003339075.2).

ClinVar aggregate classification (germline): Likely benign. Review status: criteria provided, multiple submitters, no conflicts (2 of 4 stars). 2 submissions from 2 submitters: Likely benign (2). Last evaluated 2025-10-01.

gnomAD v4.1: 1 of 1,344,548 alleles (0.000074%); highest among the groups gnomAD compares: Non-Finnish European, 0.000096%; no homozygotes.

Submissions (2):

Labcorp Genetics (formerly Invitae), Labcorp
Classification: Likely benign. Last evaluated: 2025-10-01. Review status: criteria provided, single submitter. Criteria: Invitae Variant Classification Sherloc (09022015). Collection method: clinical testing. Allele origin: germline.

Women's Health and Genetics/Laboratory Corporation of America, LabCorp
Classification: Likely benign. Last evaluated: 2024-07-08. Review status: criteria provided, single submitter. Criteria: LabCorp Variant Classification Summary - May 2015. Collection method: clinical testing. Allele origin: germline.
Comment: Variant summary: ARID1B c.1503C>G alters a non-conserved nucleotide resulting in a synonymous change. Consensus agreement among computation tools predict no significant impact on normal splicing. However, these predictions have yet to be confirmed by functional studies. The variant allele was found at a frequency of 7.7e-06 in 129930 control chromosomes. The available data on variant occurrences in the general population are insufficient to allow any conclusion about variant significance. To our knowledge, no occurrence of c.1503C>G in individuals affected with Coffin-Siris Syndrome 1 and no experimental evidence demonstrating its impact on protein function have been reported. No submitters have cited clinical-significance assessments for this variant to ClinVar. Based on the evidence outlined above, the variant was classified as likely benign.